The following is an entry in ClinVar:

ClinVar aggregate classification (germline): Likely benign. Review status: criteria provided, multiple submitters, no conflicts (2 of 4 stars). 2 submissions from 2 submitters: Likely benign (2). Last evaluated 2022-11-12.

Conditions:
Adenylosuccinate lyase deficiency (ADSLD). Also called: ADSL DEFICIENCY. Identifiers: Orphanet 46, MedGen C0268126, MONDO:0007068, OMIM 103050.

Allele frequency attached by ClinVar (database versions not stated): gnomAD exomes below 0.00001 and 0.00001; TOPMed below 0.00001.
gnomAD v4.1: 12 of 1,613,976 alleles (0.00074%); highest among the groups gnomAD compares: East Asian, 0.0045%; no homozygotes.

Submissions (2):

Labcorp Genetics (formerly Invitae), Labcorp
Classification: Likely benign for Adenylosuccinate lyase deficiency. Last evaluated: 2022-11-12. Review status: criteria provided, single submitter. Criteria: Invitae Variant Classification Sherloc (09022015). Collection method: clinical testing. Allele origin: germline.

GeneDx
Classification: Likely benign. Last evaluated: 2018-02-05. Review status: criteria provided, single submitter. Criteria: GeneDx Variant Classification (06012015). Collection method: clinical testing. Allele origin: germline. Affected: yes.
Comment: This variant is considered likely benign or benign based on one or more of the following criteria: it is a conservative change, it occurs at a poorly conserved position in the protein, it is predicted to be benign by multiple in silico algorithms, and/or has population frequency not consistent with disease.

NM_000026.4(ADSL):c.1026C>T (p.Ala342=)

Gene: ADSL (adenylosuccinate lyase; plus strand). Cytogenetic location: 22q13.1.
Variant type: single nucleotide variant.
Coding change: c.1026C>T on transcript NM_000026.4 (MANE Select); coding-DNA position 1026, C replaced by T.
Protein change: p.Ala342=; no amino-acid change (alanine 342 retained).
Molecular consequence: synonymous variant. On other transcripts: non-coding transcript variant (1).
Genome position (GRCh38, 1-based): chr22:40,362,996, C>T. VCF-style: chr22-40362996-C-T. GRCh37 (hg19) VCF-style: chr22-40759000-C-T.
Other names: c.1026C>T, p.Ala342= (NM_001123378.3, NM_001363840.3); c.834C>T, p.Ala278= (NM_001317923.2).
Identifiers: ClinVar variation 515268 (VCV000515268.4), dbSNP rs1280553241, ClinGen allele CA514615423.